The following is an entry in ClinVar:

ClinVar aggregate classification (germline): Benign/Likely benign. Review status: criteria provided, multiple submitters, no conflicts (2 of 4 stars). 7 submissions from 6 submitters: Benign (2); Likely benign (4). 1 of the submissions does not count toward it. Last evaluated 2026-01-26.

Conditions:
HSPG2-related disorder. Also called: HSPG2-related disorders; HSPG2-related condition.
Schwartz-Jampel syndrome. Also called: Myotonic myopathy dwarfism chondrodystrophy and ocular and facial abnormalities. Identifiers: Orphanet 800, MedGen C0036391, MONDO:0009717.
Lethal Kniest-like syndrome (DDSH). Also called: Dyssegmental Dysplasia. Identifiers: Orphanet 1865, MedGen C1857100, MONDO:0009140, OMIM 224410.

Allele frequency attached by ClinVar (database versions not stated): ExAC 0.00074; 1000 Genomes Project 0.00180; ESP Exome Variant Server 0.00185; 1000 Genomes Project 30x 0.00187; TOPMed 0.00193; gnomAD 0.00211.
gnomAD v4.1: 579 of 1,607,006 alleles (0.036%); highest among the groups gnomAD compares: African/African-American, 0.57%; 2 homozygotes.

Submissions (7):

Labcorp Genetics (formerly Invitae), Labcorp
Classification: Benign. Last evaluated: 2026-01-26. Review status: criteria provided, single submitter. Criteria: Invitae Variant Classification Sherloc (09022015). Collection method: clinical testing. Allele origin: germline.

Athena Diagnostics
Classification: Benign. Last evaluated: 2025-10-24. Review status: criteria provided, single submitter. Criteria: Athena Diagnostics Criteria. Collection method: clinical testing. Allele origin: unknown.
Comment: The frequency of this variant in the general population is higher than would generally be expected for pathogenic variants in this gene. Computational tools yielded predictions that this variant is unlikely to have an effect on normal RNA splicing. This nucleotide position exhibits low evolutionary conservation.

Blueprint Genetics
Classification: Likely benign. Last evaluated: 2024-08-28. Review status: criteria provided, single submitter. Criteria: ACMG Guidelines, 2015. Collection method: clinical testing. Allele origin: germline.

GeneDx
Classification: Likely benign. Last evaluated: 2021-03-15. Review status: criteria provided, single submitter. Criteria: GeneDx Variant Classification Process June 2021. Collection method: clinical testing. Allele origin: germline. Affected: yes.

Illumina Laboratory Services, Illumina
Classification: Likely benign for Schwartz-Jampel syndrome type 1. Last evaluated: 2018-01-13. Review status: criteria provided, single submitter. Criteria: ICSL Variant Classification Criteria 13 December 2019. Collection method: clinical testing. Allele origin: germline.
Comment: This variant was observed in the ICSL laboratory as part of a predisposition screen in an ostensibly healthy population. It had not been previously curated by ICSL or reported in the Human Gene Mutation Database (HGMD: prior to June 1st, 2018), and was therefore a candidate for classification through an automated scoring system. Utilizing variant allele frequency, disease prevalence and penetrance estimates, and inheritance mode, an automated score was calculated to assess if this variant is too frequent to cause the disease. Based on the score and internal cut-off values, a variant classified as likely benign is not then subjected to further curation. The score for this variant resulted in a classification of likely benign for this disease.

Illumina Laboratory Services, Illumina
Classification: Likely benign for Lethal Kniest-like syndrome. Last evaluated: 2018-01-13. Review status: criteria provided, single submitter. Criteria: ICSL Variant Classification Criteria 13 December 2019. Collection method: clinical testing. Allele origin: germline.
Comment: the same text as in the submission from Illumina Laboratory Services, Illumina above.

PreventionGenetics, part of Exact Sciences
Classification: Likely benign for HSPG2-related condition. Last evaluated: 2019-08-05. Review status: no assertion criteria provided. Collection method: clinical testing. Allele origin: germline. Not counted in ClinVar's aggregate classification.
Comment: This variant is classified as likely benign based on ACMG/AMP sequence variant interpretation guidelines (Richards et al. 2015 PMID: 25741868, with internal and published modifications).

NM_005529.7(HSPG2):c.3889-10G>A

Gene: HSPG2 (heparan sulfate proteoglycan 2; minus strand). Cytogenetic location: 1p36.12.
Variant type: single nucleotide variant.
Coding change: c.3889-10G>A on transcript NM_005529.7 (MANE Select); 10 bases into the intron before coding-DNA position 3889, G replaced by A.
Molecular consequence: intron variant.
Genome position (GRCh38, 1-based): chr1:21,872,770, C>T on the plus strand (G>A on the coding strand, the complement: HSPG2 is on the minus strand). VCF-style: chr1-21872770-C-T. GRCh37 (hg19) VCF-style: chr1-22199263-C-T.
Other names: c.3892-10G>A (NM_001291860.2).
Identifiers: ClinVar variation 295852 (VCV000295852.19), dbSNP rs147334960, ClinGen allele CA672424.